The following is an entry in ClinVar:

ClinVar aggregate classification (germline): Uncertain significance. Review status: criteria provided, multiple submitters, no conflicts (2 of 4 stars). 2 submissions from 2 submitters: Uncertain significance (2). Last evaluated 2025-03-20.

Conditions:
Inborn genetic diseases. Identifiers: MedGen C0950123, MeSH D030342.

Allele frequency attached by ClinVar (database versions not stated): gnomAD exomes 0.00001; ExAC 0.00002; gnomAD 0.00002 and 0.00003; TOPMed 0.00003.
gnomAD v4.1: 26 of 1,614,210 alleles (0.0016%); highest among the groups gnomAD compares: African/African-American, 0.017%; no homozygotes.

Submissions (2):

Ambry Genetics
Classification: Uncertain significance for Inborn genetic diseases. Last evaluated: 2025-03-20. Review status: criteria provided, single submitter. Criteria: Ambry Variant Classification Scheme 2023. Collection method: clinical testing. Allele origin: germline.

Labcorp Genetics (formerly Invitae), Labcorp
Classification: Uncertain significance. Last evaluated: 2023-08-04. Review status: criteria provided, single submitter. Criteria: Invitae Variant Classification Sherloc (09022015). Collection method: clinical testing. Allele origin: germline.
Comment: This sequence change replaces valine, which is neutral and non-polar, with alanine, which is neutral and non-polar, at codon 1157 of the LAMB1 protein (p.Val1157Ala). This variant is present in population databases (rs557003268, gnomAD 0.01%). This variant has not been reported in the literature in individuals affected with LAMB1-related conditions. ClinVar contains an entry for this variant (Variation ID: 1408230). An algorithm developed to predict the effect of missense changes on protein structure and function (PolyPhen-2) suggests that this variant is likely to be tolerated. In summary, the available evidence is currently insufficient to determine the role of this variant in disease. Therefore, it has been classified as a Variant of Uncertain Significance.

NM_002291.3(LAMB1):c.3470T>C (p.Val1157Ala)

Gene: LAMB1 (laminin subunit beta 1; minus strand). Cytogenetic location: 7q31.1.
Variant type: single nucleotide variant.
Coding change: c.3470T>C on transcript NM_002291.3 (MANE Select); coding-DNA position 3470, T replaced by C.
Protein change: p.Val1157Ala; replaces valine 1157 with alanine.
Molecular consequence: missense variant.
Genome position (GRCh38, 1-based): chr7:107,940,280, A>G on the plus strand (T>C on the coding strand, the complement: LAMB1 is on the minus strand). VCF-style: chr7-107940280-A-G. GRCh37 (hg19) VCF-style: chr7-107580725-A-G.
Other names: c.3470T>C (NM_002291.2); short protein forms V1157A.
Identifiers: ClinVar variation 1408230 (VCV001408230.7), dbSNP rs557003268, ClinGen allele CA4435299.